The following is an entry in ClinVar:

ClinVar aggregate classification (germline): Pathogenic (1 of 4 stars; one submission).

Conditions:
Neurofibromatosis, type 1 (NF1). Also called: Neurofibromatosis, type I; NEUROFIBROMATOSIS, TYPE I, SOMATIC; Peripheral type neurofibromatosis; VON RECKLINGHAUSEN DISEASE. Identifiers: Orphanet 636, MedGen C0027831, MONDO:0018975, OMIM 162200. Disease mechanism: loss of function.

Submission:

Labcorp Genetics (formerly Invitae), Labcorp
Classification: Pathogenic for Neurofibromatosis, type 1. Last evaluated: 2023-04-28. Review status: criteria provided, single submitter. Criteria: Invitae Variant Classification Sherloc (09022015). Collection method: clinical testing. Allele origin: germline.
Comment: For these reasons, this variant has been classified as Pathogenic. This variant has not been reported in the literature in individuals affected with NF1-related conditions. This variant is not present in population databases (gnomAD no frequency). This sequence change creates a premature translational stop signal (p.Val2184Phefs*33) in the NF1 gene. It is expected to result in an absent or disrupted protein product. Loss-of-function variants in NF1 are known to be pathogenic (PMID: 10712197, 23913538).

Literature cited by the submitters: PubMed 10712197; PubMed 23913538.

NM_001042492.3(NF1):c.6613_6623del (p.Val2205fs)

Gene: NF1 (neurofibromin 1; plus strand). Cytogenetic location: 17q11.2.
Variant type: Deletion.
Coding change: c.6613_6623del on transcript NM_001042492.3 (MANE Select); coding-DNA positions 6613 to 6623, 11 bases deleted (GTCACAGAAGC).
Protein change: p.Val2205fs; shifts the reading frame from valine 2205.
Molecular consequence: frameshift variant.
Genome position (GRCh38, 1-based): chr17:31,337,553-31,337,563, GTCACAGAAGC deleted. VCF-style (leftmost placement, unchanged base first): chr17-31337552-AGTCACAGAAGC-A. GRCh37 (hg19) VCF-style: chr17-29664570-AGTCACAGAAGC-A.
Other names: c.6550_6560delGTCACAGAAGC, p.Val2184Phefs (NM_000267.4); short protein forms V2184fs, V2205fs.
Identifiers: ClinVar variation 2860175 (VCV002860175.3), dbSNP rs2508754480, ClinGen allele CA2739267426.
Genomic context (GRCh38, chr17:31,337,552, plus strand): 5'-CAGGTCATTCTCTCCTGGCTCCTATGAGAGAGAGACTTTTGCTTTGACATCCTTGGAAAC[AGTCACAGAAGC>A]TTTGTTGGAGATCATGGAGGTATAGAAGCCAAAATGATAAGAAACTAAGTTAAAATCTTT-3'